The following is an entry in ClinVar:

ClinVar aggregate classification (germline): Uncertain significance (1 of 4 stars; one submission).

gnomAD v4.1: 6 of 1,614,170 alleles (0.00037%); highest among the groups gnomAD compares: Non-Finnish European, 0.00051%; no homozygotes.

Submission:

Labcorp Genetics (formerly Invitae), Labcorp
Classification: Uncertain significance. Last evaluated: 2024-10-15. Review status: criteria provided, single submitter. Criteria: Invitae Variant Classification Sherloc (09022015). Collection method: clinical testing. Allele origin: germline.
Comment: This sequence change replaces valine, which is neutral and non-polar, with leucine, which is neutral and non-polar, at codon 179 of the GSN protein (p.Val179Leu). This variant is not present in population databases (gnomAD no frequency). This variant has not been reported in the literature in individuals affected with GSN-related conditions. ClinVar contains an entry for this variant (Variation ID: 1388575). Invitae Evidence Modeling of protein sequence and biophysical properties (such as structural, functional, and spatial information, amino acid conservation, physicochemical variation, residue mobility, and thermodynamic stability) has been performed for this missense variant. However, the output from this modeling did not meet the statistical confidence thresholds required to predict the impact of this variant on GSN protein function. In summary, the available evidence is currently insufficient to determine the role of this variant in disease. Therefore, it has been classified as a Variant of Uncertain Significance.

NM_198252.3(GSN):c.382G>C (p.Val128Leu)

Gene: GSN (gelsolin; plus strand). Cytogenetic location: 9q33.2.
Variant type: single nucleotide variant.
Coding change: c.382G>C on transcript NM_198252.3 (MANE Select); coding-DNA position 382, G replaced by C.
Protein change: p.Val128Leu; replaces valine 128 with leucine.
Molecular consequence: missense variant. On other transcripts: 5 prime UTR variant (1).
Genome position (GRCh38, 1-based): chr9:121,310,714, G>C. VCF-style: chr9-121310714-G-C. GRCh37 (hg19) VCF-style: chr9-124072992-G-C.
Other names: c.535G>C, p.Val179Leu (NM_000177.5); c.382G>C, p.Val128Leu (NM_001127662.2, NM_001127664.2, NM_001127665.2 and 10 more transcripts); c.490G>C, p.Val164Leu (NM_001127663.2); c.415G>C, p.Val139Leu (NM_001127666.2, NM_001127667.2, NM_001353068.2 and 13 more transcripts); c.433G>C, p.Val145Leu (NM_001258029.2); c.406G>C, p.Val136Leu (NM_001258030.2); c.454G>C, p.Val152Leu (NM_001353076.2); c.-273G>C (NM_001353078.2); short protein forms V128L, V139L, V145L, V164L, V179L, V152L, V136L.
Identifiers: ClinVar variation 1388575 (VCV001388575.6), dbSNP rs41305623, ClinGen allele CA199408668.
Genomic context (GRCh38, chr9:121,310,714, plus strand): 5'-TGGGCTAATGCTGTCTCTTTGGCCCCACAGAAAGGAGGTGTGGCATCAGGATTCAAGCAC[G>C]TGGTACCCAACGAGGTGGTGGTGCAGAGACTCTTCCAGGTCAAAGGGCGGCGTGTGGTCC-3'
Protein context (NP_937895.1, residues 118-138): KGGVASGFKH[Val128Leu]VPNEVVVQRL